The following is an entry in ClinVar:

ClinVar aggregate classification (germline): Pathogenic (1 of 4 stars; one submission).

Conditions:
Mucopolysaccharidosis type 1. Also called: IDUA deficiency; MPS I; Mucopolysaccharidosis Type I. Identifiers: Orphanet 579, MedGen C0023786, MONDO:0001586.

Submission:

Myriad Genetics, Inc.
Classification: Pathogenic for Mucopolysaccharidosis type 1. Last evaluated: 2023-09-27. Review status: criteria provided, single submitter. Criteria: Myriad Autosomal Dominant, Autosomal Recessive and X-Linked Classification Criteria (2023). Collection method: clinical testing. Allele origin: unknown.
Comment: NM_000203.3(IDUA):c.37dupC(L13Pfs*50) is expected to be pathogenic in the context of mucopolysaccharidosis type I. This variant is predicted to lead to an abnormal or absent protein product due to the creation of a premature termination codon in IDUA, a gene where loss-of-function variants are known to be pathogenic. Please note: this variant was assessed in the context of healthy population screening.

NM_000203.5(IDUA):c.37dup (p.Leu13fs)

Genes: SLC26A1 (solute carrier family 26 member 1; minus strand), IDUA (alpha-L-iduronidase; plus strand). Cytogenetic location: 4p16.3.
Variant type: Duplication.
Coding change: c.37dup on transcript NM_000203.5 (MANE Select); coding-DNA position 37, one base duplicated (C; older notation c.37dupC).
Protein change: p.Leu13fs; shifts the reading frame from leucine 13.
Molecular consequence: frameshift variant. On other transcripts: non-coding transcript variant (1), intron variant (1).
Genome position (GRCh38, 1-based): chr4:987,121, C duplicated. VCF-style (leftmost placement, unchanged base first): chr4-987120-G-GC. GRCh37 (hg19) VCF-style: chr4-980908-G-GC.
Other names: c.576+4007dup (NM_134425.4); short protein forms L13fs.
Identifiers: ClinVar variation 5012129 (VCV005012129.1).
Genomic context (GRCh38, chr4:987,120, plus strand): 5'-CCGCAGTCCCCGAGCACGCGTGGCCATGCGTCCCCTGCGCCCCCGCGCCGCGCTGCTGGC[G>GC]CTCCTGGCCTCGCTCCTGGCCGCGCCCCCGGTGGCCCCGGCCGAGGCCCCGCACCTGGTG-3'